The following is an entry in ClinVar:

ClinVar aggregate classification (germline): Pathogenic (1 of 4 stars; one submission).

Conditions:
Nemaline myopathy 2 (NEM2). Also called: Nemaline myopathy 2, autosomal recessive. Identifiers: MedGen C1850569, MONDO:0009725, OMIM 256030.

Submission:

Labcorp Genetics (formerly Invitae), Labcorp
Classification: Pathogenic for Nemaline myopathy 2. Last evaluated: 2019-08-20. Review status: criteria provided, single submitter. Criteria: Invitae Variant Classification Sherloc (09022015). Collection method: clinical testing. Allele origin: germline.
Comment: This sequence change creates a premature translational stop signal (p.Glu4153*) in the NEB gene. This variant occurs in a region of NEB (Exons 82-105) consisting of three highly homologous 8-exon repeat units (exons 82-89, exons 90-97, exons 98-105). Sequence variants in this region can be detected, but this assay cannot determine which of the three repeat units is affected, and zygosity is often ambiguous. All variants in this region are reported relative to the exon 82-89 repeat. It is expected to result in an absent or disrupted protein product. This variant has not been reported in the literature in individuals with NEB-related conditions. Loss-of-function variants in NEB are known to be pathogenic (PMID: 25205138). For these reasons, this variant has been classified as Pathogenic.

Literature cited by the submitters: PubMed 25205138.

NM_001164508.2(NEB):c.12457G>T (p.Glu4153Ter)

Gene: NEB (nebulin; minus strand). Cytogenetic location: 2q23.3.
Variant type: single nucleotide variant.
Coding change: c.12457G>T on transcript NM_001164508.2 (MANE Select); coding-DNA position 12457, G replaced by T.
Protein change: p.Glu4153Ter; replaces glutamic acid 4153 with a stop codon.
Molecular consequence: nonsense. On other transcripts: intron variant (1).
Genome position (GRCh38, 1-based): chr2:151,608,550, C>A on the plus strand (G>T on the coding strand, the complement: NEB is on the minus strand). VCF-style: chr2-151608550-C-A. GRCh37 (hg19) VCF-style: chr2-152465064-C-A.
Other names: c.12457G>T, p.Glu4153Ter (NM_001164507.2, NM_001271208.2); c.11601+1259G>T (NM_004543.5); short protein forms E4153*.
Identifiers: ClinVar variation 943866 (VCV000943866.9), dbSNP rs2097773424, ClinGen allele CA348775818.